The following is an entry in ClinVar:

NM_000388.4(CASR):c.686A>C (p.Glu229Ala)

Gene: CASR (calcium sensing receptor; plus strand). Cytogenetic location: 3q21.1.
Variant type: single nucleotide variant.
Coding change: c.686A>C on transcript NM_000388.4 (MANE Select); coding-DNA position 686, A replaced by C.
Protein change: p.Glu229Ala; replaces glutamic acid 229 with alanine.
Molecular consequence: missense variant.
Genome position (GRCh38, 1-based): chr3:122,261,721, A>C. VCF-style: chr3-122261721-A-C. GRCh37 (hg19) VCF-style: chr3-121980568-A-C.
Other names: c.686A>C, p.Glu229Ala (NM_001178065.2); short protein forms E229A.
Identifiers: ClinVar variation 863639 (VCV000863639.10), dbSNP rs2074625376, ClinGen allele CA354151125.

ClinVar aggregate classification (germline): Uncertain significance (1 of 4 stars; one submission).

Conditions:
Familial hypocalciuric hypercalcemia (FHH). Also called: Familial benign hypercalcemia. Identifiers: Orphanet 405, MedGen C1809471, MONDO:0018458.
Autosomal dominant hypocalcemia 1 (HYPOC1). Also called: HYPOCALCEMIA, FAMILIAL. Identifiers: MedGen C3715128, MONDO:0011013, OMIM 601198.

Submission:

Labcorp Genetics (formerly Invitae), Labcorp
Classification: Uncertain significance for Familial hypocalciuric hypercalcemia; Autosomal dominant hypocalcemia 1. Last evaluated: 2019-04-07. Review status: criteria provided, single submitter. Criteria: Invitae Variant Classification Sherloc (09022015). Collection method: clinical testing. Allele origin: germline.
Comment: This sequence change replaces glutamic acid with alanine at codon 229 of the CASR protein (p.Glu229Ala). The glutamic acid residue is highly conserved and there is a moderate physicochemical difference between glutamic acid and alanine. This variant is not present in population databases (ExAC no frequency). This variant has not been reported in the literature in individuals with CASR-related conditions. This variant has been reported to have conflicting or insufficient data to determine the effect on CASR protein function (PMID:17478419). In summary, the available evidence is currently insufficient to determine the role of this variant in disease. Therefore, it has been classified as a Variant of Uncertain Significance.

Literature cited by the submitters: PubMed 17478419.